The following is an entry in ClinVar:

ClinVar aggregate classification (germline): Pathogenic. Review status: criteria provided, multiple submitters, no conflicts (2 of 4 stars). 3 submissions from 3 submitters: Pathogenic (3). Last evaluated 2025-11-05.

Conditions:
Congenital myasthenic syndrome 4A. Also called: Myasthenic syndrome, congenital, 4a, slow-channel; MYASTHENIC SYNDROME, CONGENITAL, 4A, SLOW-CHANNEL, AUTOSOMAL RECESSIVE; CONGENITAL MYASTHENIC SYNDROME TYPE Ia1. Identifiers: Orphanet 590, MedGen C4225413, MONDO:0011600, OMIM 605809.
Congenital myasthenic syndrome (CMS). Also called: Congenital Myasthenic Syndromes. Identifiers: Orphanet 590, MedGen C0751882, MeSH D020294, MONDO:0018940.

Allele frequency attached by ClinVar (database versions not stated): gnomAD exomes below 0.00001.
gnomAD v4.1: 3 of 1,614,018 alleles (0.00019%); highest among the groups gnomAD compares: African/African-American, 0.0027%; no homozygotes.

Submissions (3):

Labcorp Genetics (formerly Invitae), Labcorp
Classification: Pathogenic for Congenital myasthenic syndrome 4A. Last evaluated: 2025-11-05. Review status: criteria provided, single submitter. Criteria: Invitae Variant Classification Sherloc (09022015). Collection method: clinical testing. Allele origin: germline.
Comment: This sequence change creates a premature translational stop signal (p.Arg99*) in the CHRNE gene. It is expected to result in an absent or disrupted protein product. Loss-of-function variants in CHRNE are known to be pathogenic (PMID: 22678886). This variant is present in population databases (no rsID available, gnomAD 0.007%). This premature translational stop signal has been observed in individual(s) with clinical features of congenital myasthenic syndrome (PMID: 29702980). ClinVar contains an entry for this variant (Variation ID: 1399349). Algorithms developed to predict the effect of sequence changes on RNA splicing suggest that this variant may disrupt the consensus splice site. For these reasons, this variant has been classified as Pathogenic.

Myriad Genetics, Inc.
Classification: Pathogenic for Congenital myasthenic syndrome. Last evaluated: 2024-06-10. Review status: criteria provided, single submitter. Criteria: Myriad Autosomal Dominant, Autosomal Recessive and X-Linked Classification Criteria (2023). Collection method: clinical testing. Allele origin: unknown.
Comment: NM_000080.3(CHRNE):c.295C>T(R99*) is expected to be pathogenic in the context of congenital myasthenic syndrome, CHRNE-related. This variant is predicted to lead to an abnormal or absent protein product due to the creation of a premature termination codon in CHRNE, a gene where loss-of-function variants are known to be pathogenic. Please note: this variant was assessed in the context of healthy population screening.

Baylor Genetics
Classification: Pathogenic for Congenital myasthenic syndrome 4A. Last evaluated: 2024-02-12. Review status: criteria provided, single submitter. Criteria: ACMG Guidelines, 2015. Collection method: clinical testing. Allele origin: unknown.

Literature cited by the submitters: PubMed 22678886 (cited by Labcorp Genetics (formerly Invitae), Labcorp); PubMed 29702980 (cited by Labcorp Genetics (formerly Invitae), Labcorp).

NM_000080.4(CHRNE):c.295C>T (p.Arg99Ter)

Genes: C17orf107 (chromosome 17 open reading frame 107; plus strand), CHRNE (cholinergic receptor nicotinic epsilon subunit; minus strand). Cytogenetic location: 17p13.2.
Variant type: single nucleotide variant.
Coding change: c.295C>T on transcript NM_000080.4 (MANE Select); coding-DNA position 295, C replaced by T.
Protein change: p.Arg99Ter; replaces arginine 99 with a stop codon.
Molecular consequence: nonsense. On other transcripts: 3 prime UTR variant (1).
Genome position (GRCh38, 1-based): chr17:4,902,266, G>A on the plus strand (C>T on the coding strand, the complement: CHRNE is on the minus strand). VCF-style: chr17-4902266-G-A. GRCh37 (hg19) VCF-style: chr17-4805561-G-A.
Other names: c.*1733G>A (NM_001145536.2); short protein forms R99*.
Identifiers: ClinVar variation 1399349 (VCV001399349.9), dbSNP rs1278514080, ClinGen allele CA397307071.